The following is an entry in ClinVar:

NM_006662.3(SRCAP):c.843C>T (p.Arg281=)

Gene: SRCAP (Snf2 related CREBBP activator protein; plus strand). Cytogenetic location: 16p11.2.
Variant type: single nucleotide variant.
Coding change: c.843C>T on transcript NM_006662.3 (MANE Select); coding-DNA position 843, C replaced by T.
Protein change: p.Arg281=; no amino-acid change (arginine 281 retained).
Molecular consequence: synonymous variant.
Genome position (GRCh38, 1-based): chr16:30,709,722, C>T. VCF-style: chr16-30709722-C-T. GRCh37 (hg19) VCF-style: chr16-30721043-C-T.
Identifiers: ClinVar variation 744485 (VCV000744485.30), dbSNP rs139542422, ClinGen allele CA8010766.

ClinVar aggregate classification (germline): Conflicting classifications of pathogenicity. Review status: criteria provided, conflicting classifications (1 of 4 stars). 3 submissions from 3 submitters: Uncertain significance (1); Likely benign (2). Last evaluated 2024-03-13.

Conditions:
Developmental delay, hypotonia, musculoskeletal defects, and behavioral abnormalities. Identifiers: MedGen C5562012, MONDO:0859202, OMIM 619595.
Floating-Harbor syndrome (FLHS). Also called: Short stature with delayed bone age, expressive language delay, a triangular face with a prominent nose and deep-set eyes; Pelletier-Leisti syndrome; SRCAP-Related Floating-Harbor Syndrome. Identifiers: Orphanet 2044, MedGen C0729582, MONDO:0007621, OMIM 136140.

Allele frequency attached by ClinVar (database versions not stated): gnomAD exomes 0.00001 and 0.00006; gnomAD 0.00002; TOPMed 0.00002; ESP Exome Variant Server 0.00008; ExAC 0.00001.
gnomAD v4.1: 83 of 1,614,074 alleles (0.0051%); highest among the groups gnomAD compares: Non-Finnish European, 0.0069%; no homozygotes.

Submissions (3):

Fulgent Genetics
Classification: Uncertain significance for Floating-Harbor syndrome; Developmental delay, hypotonia, musculoskeletal defects, and behavioral abnormalities. Last evaluated: 2024-03-13. Review status: criteria provided, single submitter. Criteria: ACMG Guidelines, 2015. Collection method: clinical testing. Allele origin: germline.

CeGaT Center for Human Genetics Tuebingen
Classification: Likely benign. Last evaluated: 2024-02-01. Review status: criteria provided, single submitter. Criteria: CeGaT Center For Human Genetics Tuebingen Variant Classification Criteria Version 2. Collection method: clinical testing. Allele origin: germline. Affected: yes. Observed: 1 variant allele.
Comment: SRCAP: BP4, BP7

Labcorp Genetics (formerly Invitae), Labcorp
Classification: Likely benign. Last evaluated: 2023-07-18. Review status: criteria provided, single submitter. Criteria: Invitae Variant Classification Sherloc (09022015). Collection method: clinical testing. Allele origin: germline.